The following is an entry in ClinVar:

ClinVar aggregate classification (germline): Uncertain significance (1 of 4 stars; one submission).

Conditions:
Inborn genetic diseases. Identifiers: MedGen C0950123, MeSH D030342.

gnomAD v4.1: 4 of 1,613,724 alleles (0.00025%); highest among the groups gnomAD compares: Non-Finnish European, 0.00034%; no homozygotes.

Submission:

Ambry Genetics
Classification: Uncertain significance for Inborn genetic diseases. Last evaluated: 2022-02-15. Review status: criteria provided, single submitter. Criteria: Ambry Variant Classification Scheme 2023. Collection method: clinical testing. Allele origin: germline.
Comment: The p.K113N variant (also known as c.339A>T), located in coding exon 4 of the BUB1B gene, results from an A to T substitution at nucleotide position 339. The lysine at codon 113 is replaced by asparagine, an amino acid with similar properties. This amino acid position is conserved. In addition, this alteration is predicted to be tolerated by in silico analysis. Since supporting evidence is limited at this time, the clinical significance of this alteration remains unclear.

NM_001211.6(BUB1B):c.339A>T (p.Lys113Asn)

Gene: BUB1B (BUB1 mitotic checkpoint serine/threonine kinase B; plus strand). Cytogenetic location: 15q15.1.
Variant type: single nucleotide variant.
Coding change: c.339A>T on transcript NM_001211.6 (MANE Select); coding-DNA position 339, A replaced by T.
Protein change: p.Lys113Asn; replaces lysine 113 with asparagine.
Molecular consequence: missense variant.
Genome position (GRCh38, 1-based): chr15:40,170,636, A>T. VCF-style: chr15-40170636-A-T. GRCh37 (hg19) VCF-style: chr15-40462837-A-T.
Other names: short protein forms K113N.
Identifiers: ClinVar variation 1730970 (VCV001730970.2), dbSNP rs747501110, ClinGen allele CA391679265.